The following is an entry in ClinVar:

NM_058216.3(RAD51C):c.10A>G (p.Lys4Glu)

Gene: RAD51C (RAD51 paralog C; plus strand). Cytogenetic location: 17q22.
Variant type: single nucleotide variant.
Coding change: c.10A>G on transcript NM_058216.3 (MANE Select); coding-DNA position 10, A replaced by G.
Protein change: p.Lys4Glu; replaces lysine 4 with glutamic acid.
Molecular consequence: missense variant. On other transcripts: non-coding transcript variant (2).
Genome position (GRCh38, 1-based): chr17:58,692,653, A>G. VCF-style: chr17-58692653-A-G. GRCh37 (hg19) VCF-style: chr17-56770014-A-G.
Other names: c.10A>G, p.Lys4Glu (NM_002876.4, NM_058217.1); short protein forms K4E.
Identifiers: ClinVar variation 1791905 (VCV001791905.5), dbSNP rs2047798556, ClinGen allele CA400336124.

ClinVar aggregate classification (germline): Conflicting classifications of pathogenicity. Review status: criteria provided, conflicting classifications (1 of 4 stars). 2 submissions from 2 submitters: Uncertain significance (1); Likely benign (1). Last evaluated 2024-02-26.

Conditions:
Fanconi anemia complementation group O. Also called: RAD51C-Related Fanconi Anemia. Identifiers: Orphanet 84, MedGen C3150653, MONDO:0013248, OMIM 613390.
Hereditary cancer-predisposing syndrome. Also called: Neoplastic Syndromes, Hereditary; Tumor predisposition; Hereditary neoplastic syndrome; Hereditary Cancer Syndrome. Identifiers: Orphanet 140162, MedGen C0027672, MeSH D009386, MONDO:0015356.

Submissions (2):

Ambry Genetics
Classification: Likely benign for Hereditary cancer-predisposing syndrome. Last evaluated: 2024-02-26. Review status: criteria provided, single submitter. Criteria: Ambry Variant Classification Scheme 2023. Collection method: clinical testing. Allele origin: germline.

Labcorp Genetics (formerly Invitae), Labcorp
Classification: Uncertain significance for Fanconi anemia complementation group O. Last evaluated: 2023-06-14. Review status: criteria provided, single submitter. Criteria: Invitae Variant Classification Sherloc (09022015). Collection method: clinical testing. Allele origin: germline.
Comment: In summary, the available evidence is currently insufficient to determine the role of this variant in disease. Therefore, it has been classified as a Variant of Uncertain Significance. Algorithms developed to predict the effect of missense changes on protein structure and function output the following: SIFT: "Not Available"; PolyPhen-2: "Benign"; Align-GVGD: "Not Available". The glutamic acid amino acid residue is found in multiple mammalian species, which suggests that this missense change does not adversely affect protein function. ClinVar contains an entry for this variant (Variation ID: 1791905). This variant has not been reported in the literature in individuals affected with RAD51C-related conditions. This variant is not present in population databases (gnomAD no frequency). This sequence change replaces lysine, which is basic and polar, with glutamic acid, which is acidic and polar, at codon 4 of the RAD51C protein (p.Lys4Glu).